The following is an entry in ClinVar:

ClinVar aggregate classification (germline): Uncertain significance. Review status: criteria provided, multiple submitters, no conflicts (2 of 4 stars). 2 submissions from 2 submitters: Uncertain significance (2). Last evaluated 2025-08-24.

Conditions:
Early-onset Lafora body disease. Also called: Epilepsy, progressive myoclonic, 10. Identifiers: Orphanet 324290, MedGen C4225258, MONDO:0014717, OMIM 616640.

Allele frequency attached by ClinVar (database versions not stated): 1000 Genomes Project 30x 0.00094; gnomAD exomes 0.00184 and 0.00014; ExAC 0.02381; gnomAD 0.00001 and 0.00015; TOPMed 0.00002; 1000 Genomes Project 0.00080.
gnomAD v4.1: 193 of 1,320,674 alleles (0.015%); highest among the groups gnomAD compares: South Asian, 0.39%; 3 homozygotes.

Submissions (2):

Ambry Genetics
Classification: Uncertain significance. Last evaluated: 2025-08-24. Review status: criteria provided, single submitter. Criteria: Ambry Variant Classification Scheme 2023. Collection method: clinical testing. Allele origin: germline.

Labcorp Genetics (formerly Invitae), Labcorp
Classification: Uncertain significance for Early-onset Lafora body disease. Last evaluated: 2025-03-17. Review status: criteria provided, single submitter. Criteria: Invitae Variant Classification Sherloc (09022015). Collection method: clinical testing. Allele origin: germline.
Comment: This sequence change replaces alanine, which is neutral and non-polar, with threonine, which is neutral and polar, at codon 416 of the PRDM8 protein (p.Ala416Thr). This variant is present in population databases (rs568061115, gnomAD 1.6%). This variant has not been reported in the literature in individuals affected with PRDM8-related conditions. ClinVar contains an entry for this variant (Variation ID: 948055). Invitae Evidence Modeling of protein sequence and biophysical properties (such as structural, functional, and spatial information, amino acid conservation, physicochemical variation, residue mobility, and thermodynamic stability) indicates that this missense variant is not expected to disrupt PRDM8 protein function with a negative predictive value of 80%. In summary, the available evidence is currently insufficient to determine the role of this variant in disease. Therefore, it has been classified as a Variant of Uncertain Significance.

NM_001099403.2(PRDM8):c.1246G>A (p.Ala416Thr)

Gene: PRDM8 (PR/SET domain 8; plus strand). Cytogenetic location: 4q21.21.
Variant type: single nucleotide variant.
Coding change: c.1246G>A on transcript NM_001099403.2 (MANE Select); coding-DNA position 1246, G replaced by A.
Protein change: p.Ala416Thr; replaces alanine 416 with threonine.
Molecular consequence: missense variant.
Genome position (GRCh38, 1-based): chr4:80,202,708, G>A. VCF-style: chr4-80202708-G-A. GRCh37 (hg19) VCF-style: chr4-81123862-G-A.
Other names: c.1246G>A, p.Ala416Thr (NM_020226.4); short protein forms A416T.
Identifiers: ClinVar variation 948055 (VCV000948055.11), dbSNP rs568061115, ClinGen allele CA2982383.